The following is an entry in ClinVar:

NM_006073.4(TRDN):c.1340A>G (p.Glu447Gly)

Gene: TRDN (triadin; minus strand). Cytogenetic location: 6q22.31.
Variant type: single nucleotide variant.
Coding change: c.1340A>G on transcript NM_006073.4 (MANE Select); coding-DNA position 1340, A replaced by G.
Protein change: p.Glu447Gly; replaces glutamic acid 447 with glycine.
Molecular consequence: missense variant.
Genome position (GRCh38, 1-based): chr6:123,352,568, T>C on the plus strand (A>G on the coding strand, the complement: TRDN is on the minus strand). VCF-style: chr6-123352568-T-C. GRCh37 (hg19) VCF-style: chr6-123673713-T-C.
Other names: c.1343A>G, p.Glu448Gly (NM_001251987.2); short protein forms E447G, E448G.
Identifiers: ClinVar variation 1061294 (VCV001061294.7), dbSNP rs1488176228, ClinGen allele CA365566095.

ClinVar aggregate classification (germline): Uncertain significance (1 of 4 stars; one submission).

Conditions:
Catecholaminergic polymorphic ventricular tachycardia 1. Also called: VENTRICULAR TACHYCARDIA, CATECHOLAMINERGIC POLYMORPHIC, 1, WITH OR WITHOUT ATRIAL DYSFUNCTION AND/OR DILATED CARDIOMYOPATHY; RYR2-Related Catecholaminergic Polymorphic Ventricular Tachycardia; VENTRICULAR TACHYCARDIA, STRESS-INDUCED POLYMORPHIC 1. Identifiers: Orphanet 3286, MedGen C1631597, MONDO:0011484, OMIM 604772.

Submission:

Labcorp Genetics (formerly Invitae), Labcorp
Classification: Uncertain significance for Catecholaminergic polymorphic ventricular tachycardia 1. Last evaluated: 2021-08-24. Review status: criteria provided, single submitter. Criteria: Invitae Variant Classification Sherloc (09022015). Collection method: clinical testing. Allele origin: germline.
Comment: This sequence change replaces glutamic acid with glycine at codon 447 of the TRDN protein (p.Glu447Gly). The glutamic acid residue is moderately conserved and there is a moderate physicochemical difference between glutamic acid and glycine. This variant is not present in population databases (ExAC no frequency). This variant has not been reported in the literature in individuals affected with TRDN-related conditions. Algorithms developed to predict the effect of missense changes on protein structure and function are either unavailable or do not agree on the potential impact of this missense change (SIFT: "Deleterious"; PolyPhen-2: "Probably Damaging"; Align-GVGD: "Class C0"). In summary, the available evidence is currently insufficient to determine the role of this variant in disease. Therefore, it has been classified as a Variant of Uncertain Significance.